The following is an entry in ClinVar:

ClinVar aggregate classification (germline): Uncertain significance (1 of 4 stars; one submission).

Submission:

Labcorp Genetics (formerly Invitae), Labcorp
Classification: Uncertain significance. Last evaluated: 2021-09-24. Review status: criteria provided, single submitter. Criteria: Invitae Variant Classification Sherloc (09022015). Collection method: clinical testing. Allele origin: germline.
Comment: In summary, the available evidence is currently insufficient to determine the role of this variant in disease. Therefore, it has been classified as a Variant of Uncertain Significance. Algorithms developed to predict the effect of missense changes on protein structure and function are either unavailable or do not agree on the potential impact of this missense change (SIFT: "Deleterious"; PolyPhen-2: "Possibly Damaging"; Align-GVGD: "Class C0"). This variant has not been reported in the literature in individuals affected with RORB-related conditions. This variant is not present in population databases (ExAC no frequency). This sequence change replaces valine with methionine at codon 438 of the RORB protein (p.Val438Met). The valine residue is highly conserved and there is a small physicochemical difference between valine and methionine.

NM_006914.4(RORB):c.1312G>A (p.Val438Met)

Genes: RORB (RAR related orphan receptor B; plus strand), LOC124310566 (Sharpr-MPRA regulatory region 9792; plus strand). Cytogenetic location: 9q21.13.
Variant type: single nucleotide variant.
Coding change: c.1312G>A on transcript NM_006914.4 (MANE Select); coding-DNA position 1312, G replaced by A.
Protein change: p.Val438Met; replaces valine 438 with methionine.
Molecular consequence: missense variant.
Genome position (GRCh38, 1-based): chr9:74,685,550, G>A. VCF-style: chr9-74685550-G-A. GRCh37 (hg19) VCF-style: chr9-77300466-G-A.
Other names: c.1345G>A, p.Val449Met (NM_001365023.1); short protein forms V438M, V449M.
Identifiers: ClinVar variation 1406897 (VCV001406897.6), dbSNP rs2118583581, ClinGen allele CA373772615.